The following is an entry in ClinVar:

NM_144687.4(NLRP12):c.3127A>G (p.Thr1043Ala)

Gene: NLRP12 (NLR family pyrin domain containing 12; minus strand). Cytogenetic location: 19q13.42.
Variant type: single nucleotide variant.
Coding change: c.3127A>G on transcript NM_144687.4 (MANE Select); coding-DNA position 3127, A replaced by G.
Protein change: p.Thr1043Ala; replaces threonine 1043 with alanine.
Molecular consequence: missense variant.
Genome position (GRCh38, 1-based): chr19:53,794,108, T>C on the plus strand (A>G on the coding strand, the complement: NLRP12 is on the minus strand). VCF-style: chr19-53794108-T-C. GRCh37 (hg19) VCF-style: chr19-54297362-T-C.
Other names: c.3130A>G, p.Thr1044Ala (NM_001277126.2); c.2956A>G, p.Thr986Ala (NM_001277129.1); short protein forms T1043A, T986A, T1044A.
Identifiers: ClinVar variation 1431815 (VCV001431815.8), dbSNP rs1009978100, ClinGen allele CA310056789.

ClinVar aggregate classification (germline): Uncertain significance (1 of 4 stars; one submission).

Conditions:
Familial cold autoinflammatory syndrome 2 (FCAS2). Identifiers: Orphanet 247868, MedGen C2673198, MONDO:0012724, OMIM 611762.

Allele frequency attached by ClinVar (database versions not stated): gnomAD exomes 0.00001.
gnomAD v4.1: 7 of 1,613,804 alleles (0.00043%); highest among the groups gnomAD compares: South Asian, 0.0011%; no homozygotes.

Submission:

Labcorp Genetics (formerly Invitae), Labcorp
Classification: Uncertain significance for Familial cold autoinflammatory syndrome 2. Last evaluated: 2022-09-19. Review status: criteria provided, single submitter. Criteria: Invitae Variant Classification Sherloc (09022015). Collection method: clinical testing. Allele origin: germline.
Comment: This sequence change replaces threonine, which is neutral and polar, with alanine, which is neutral and non-polar, at codon 1043 of the NLRP12 protein (p.Thr1043Ala). This variant is present in population databases (no rsID available, gnomAD 0.003%). This variant has not been reported in the literature in individuals affected with NLRP12-related conditions. ClinVar contains an entry for this variant (Variation ID: 1431815). Algorithms developed to predict the effect of missense changes on protein structure and function are either unavailable or do not agree on the potential impact of this missense change (SIFT: "Deleterious"; PolyPhen-2: "Probably Damaging"; Align-GVGD: "Class C0"). In summary, the available evidence is currently insufficient to determine the role of this variant in disease. Therefore, it has been classified as a Variant of Uncertain Significance.